The following is an entry in ClinVar:

ClinVar aggregate classification (germline): Benign/Likely benign. Review status: criteria provided, multiple submitters, no conflicts (2 of 4 stars). 5 submissions from 5 submitters: Benign (1); Likely benign (3). 1 of the submissions does not count toward it. Last evaluated 2024-10-07.

Conditions:
GP1BB-related disorder. Also called: GP1BB-related condition.

Allele frequency attached by ClinVar (database versions not stated): gnomAD exomes 0.00015 and 0.00035; ExAC 0.00023; 1000 Genomes Project 0.00180; gnomAD 0.00209 and 0.00225; 1000 Genomes Project 30x 0.00219; TOPMed 0.00243.
gnomAD v4.1: 498 of 1,330,532 alleles (0.037%); highest among the groups gnomAD compares: African/African-American, 0.68%; 2 homozygotes.

Submissions (5):

Blueprint Genetics
Classification: Likely benign. Last evaluated: 2024-10-07. Review status: criteria provided, single submitter. Criteria: ACMG Guidelines, 2015. Collection method: clinical testing. Allele origin: germline.

Women's Health and Genetics/Laboratory Corporation of America, LabCorp
Classification: Likely benign. Last evaluated: 2024-07-08. Review status: criteria provided, single submitter. Criteria: LabCorp Variant Classification Summary - May 2015. Collection method: clinical testing. Allele origin: germline.

Mayo Clinic Laboratories, Mayo Clinic
Classification: Likely benign. Last evaluated: 2023-10-20. Review status: criteria provided, single submitter. Criteria: ACMG Guidelines, 2015. Collection method: clinical testing. Allele origin: germline. Observed: 2 variant alleles.
Comment: BP4, BP7

Labcorp Genetics (formerly Invitae), Labcorp
Classification: Benign. Last evaluated: 2019-12-31. Review status: criteria provided, single submitter. Criteria: Invitae Variant Classification Sherloc (09022015). Collection method: clinical testing. Allele origin: germline.

PreventionGenetics, part of Exact Sciences
Classification: Benign for GP1BB-related condition. Last evaluated: 2019-08-14. Review status: no assertion criteria provided. Collection method: clinical testing. Allele origin: germline. Not counted in ClinVar's aggregate classification.
Comment: This variant is classified as benign based on ACMG/AMP sequence variant interpretation guidelines (Richards et al. 2015 PMID: 25741868, with internal and published modifications).

NM_000407.5(GP1BB):c.306C>T (p.Ala102=)

Genes: GP1BB (glycoprotein Ib platelet subunit beta; plus strand), SEPT5-GP1BB (SEPT5-GP1BB readthrough; plus strand). Cytogenetic location: 22q11.21.
Variant type: single nucleotide variant.
Coding change: c.306C>T on transcript NM_000407.5 (MANE Select); coding-DNA position 306, C replaced by T.
Protein change: p.Ala102=; no amino-acid change (alanine 102 retained).
Molecular consequence: synonymous variant. On other transcripts: non-coding transcript variant (2).
Genome position (GRCh38, 1-based): chr22:19,724,149, C>T. VCF-style: chr22-19724149-C-T. GRCh37 (hg19) VCF-style: chr22-19711672-C-T.
Other names: p.Ala102=.
Identifiers: ClinVar variation 727504 (VCV000727504.9), dbSNP rs566833759, ClinGen allele CA10102335.